The following is an entry in ClinVar:

NM_000092.5(COL4A4):c.3301G>T (p.Ala1101Ser)

Gene: COL4A4 (collagen type IV alpha 4 chain; minus strand). Cytogenetic location: 2q36.3.
Variant type: single nucleotide variant.
Coding change: c.3301G>T on transcript NM_000092.5 (MANE Select); coding-DNA position 3301, G replaced by T.
Protein change: p.Ala1101Ser; replaces alanine 1101 with serine.
Molecular consequence: missense variant.
Genome position (GRCh38, 1-based): chr2:227,043,173, C>A on the plus strand (G>T on the coding strand, the complement: COL4A4 is on the minus strand). VCF-style: chr2-227043173-C-A. GRCh37 (hg19) VCF-style: chr2-227907889-C-A.
Other names: short protein forms A1101S.
Identifiers: ClinVar variation 1686758 (VCV001686758.2), dbSNP rs2150103907, ClinGen allele CA350838573.

ClinVar aggregate classification (germline): Uncertain significance (1 of 4 stars; one submission).

Submission:

GeneDx
Classification: Uncertain significance. Last evaluated: 2021-11-22. Review status: criteria provided, single submitter. Criteria: GeneDx Variant Classification Process June 2021. Collection method: clinical testing. Allele origin: germline. Affected: yes.
Comment: Not observed at significant frequency in large population cohorts (gnomAD); In silico analysis supports that this missense variant does not alter protein structure/function; Has not been previously published as pathogenic or benign to our knowledge